The following is an entry in ClinVar:

NM_031206.7(LAS1L):c.899C>T (p.Pro300Leu)

Gene: LAS1L (LAS1 like ribosome biogenesis factor; minus strand). Cytogenetic location: Xq12.
Variant type: single nucleotide variant.
Coding change: c.899C>T on transcript NM_031206.7 (MANE Select); coding-DNA position 899, C replaced by T.
Protein change: p.Pro300Leu; replaces proline 300 with leucine.
Molecular consequence: missense variant. On other transcripts: non-coding transcript variant (2), intron variant (1).
Genome position (GRCh38, 1-based): chrX:65,528,317, G>A on the plus strand (C>T on the coding strand, the complement: LAS1L is on the minus strand). VCF-style: chrX-65528317-G-A. GRCh37 (hg19) VCF-style: chrX-64748197-G-A.
Other names: c.899C>T, p.Pro300Leu (NM_001170649.2, NM_001375328.1, NM_001375329.1 and 10 more transcripts); c.773C>T, p.Pro258Leu (NM_001170650.2); c.50+895C>T (NM_001375332.1); short protein forms P300L, P258L.
Identifiers: ClinVar variation 4748914 (VCV004748914.1).

ClinVar aggregate classification (germline): Uncertain significance (1 of 4 stars; one submission).

Conditions:
Wilson-Turner syndrome (WTS). Also called: MENTAL RETARDATION, X-LINKED, SYNDROMIC 6; INTELLECTUAL DEVELOPMENTAL DISORDER, X-LINKED, SYNDROMIC, WILSON-TURNER TYPE. Identifiers: Orphanet 3459, MedGen C1839736, MONDO:0010665, OMIM 309585.

gnomAD v4.1: 2 of 1,200,703 alleles (0.00017%); highest among the groups gnomAD compares: Non-Finnish European, 0.00023%; no homozygotes.

Submission:

Labcorp Genetics (formerly Invitae), Labcorp
Classification: Uncertain significance for Wilson-Turner syndrome. Last evaluated: 2025-12-16. Review status: criteria provided, single submitter. Criteria: Invitae Variant Classification Sherloc (09022015). Collection method: clinical testing. Allele origin: germline.
Comment: This sequence change replaces proline, which is neutral and non-polar, with leucine, which is neutral and non-polar, at codon 300 of the LAS1L protein (p.Pro300Leu). This variant is not present in population databases (gnomAD no frequency). This variant has not been reported in the literature in individuals affected with LAS1L-related conditions. Invitae Evidence Modeling of protein sequence and biophysical properties (such as structural, functional, and spatial information, amino acid conservation, physicochemical variation, residue mobility, and thermodynamic stability) indicates that this missense variant is not expected to disrupt LAS1L protein function with a negative predictive value of 80%. In summary, the available evidence is currently insufficient to determine the role of this variant in disease. Therefore, it has been classified as a Variant of Uncertain Significance.